The following is an entry in ClinVar:

ClinVar aggregate classification (germline): Uncertain significance. Review status: criteria provided, multiple submitters, no conflicts (2 of 4 stars). 2 submissions from 2 submitters: Uncertain significance (2). Last evaluated 2024-12-14.

Conditions:
DNAH1-related disorder. Also called: DNAH1-related condition.

gnomAD v4.1: 22 of 1,589,090 alleles (0.0014%); highest among the groups gnomAD compares: Non-Finnish European, 0.0018%; no homozygotes.

Submissions (2):

PreventionGenetics, part of Exact Sciences
Classification: Uncertain significance for DNAH1-related condition. Last evaluated: 2024-12-14. Review status: criteria provided, single submitter. Criteria: ACMG Guidelines, 2015. Collection method: clinical testing. Allele origin: germline.
Comment: The DNAH1 c.3938G>A variant is predicted to result in the amino acid substitution p.Gly1313Asp. To our knowledge, this variant has not been reported in the literature. This variant is reported in 0.0033% of alleles in individuals of European (Non-Finnish) descent in gnomAD. At this time, the clinical significance of this variant is uncertain due to the absence of conclusive functional and genetic evidence.

Blueprint Genetics
Classification: Uncertain significance. Last evaluated: 2024-10-30. Review status: criteria provided, single submitter. Criteria: ACMG Guidelines, 2015. Collection method: clinical testing. Allele origin: germline.

NM_015512.5(DNAH1):c.3938G>A (p.Gly1313Asp)

Gene: DNAH1 (dynein axonemal heavy chain 1; plus strand). Cytogenetic location: 3p21.1.
Variant type: single nucleotide variant.
Coding change: c.3938G>A on transcript NM_015512.5 (MANE Select); coding-DNA position 3938, G replaced by A.
Protein change: p.Gly1313Asp; replaces glycine 1313 with aspartic acid.
Molecular consequence: missense variant.
Genome position (GRCh38, 1-based): chr3:52,357,693, G>A. VCF-style: chr3-52357693-G-A. GRCh37 (hg19) VCF-style: chr3-52391709-G-A.
Other names: c.3938G>A (NM_015512.4); short protein forms G1313D.
Identifiers: ClinVar variation 4962848 (VCV004962848.2).